The following is an entry in ClinVar:

NM_001042492.3(NF1):c.2178del (p.Ser727fs)

Gene: NF1 (neurofibromin 1; plus strand). Cytogenetic location: 17q11.2.
Variant type: Deletion.
Coding change: c.2178del on transcript NM_001042492.3 (MANE Select); coding-DNA position 2178, one base deleted (G; older notation c.2178delG).
Protein change: p.Ser727fs; shifts the reading frame from serine 727.
Molecular consequence: frameshift variant.
Genome position (GRCh38, 1-based): chr17:31,226,611, G deleted. VCF-style (leftmost placement, unchanged base first): chr17-31226610-TG-T. GRCh37 (hg19) VCF-style: chr17-29553628-TG-T.
Other names: c.2178delG, p.Ser727Glnfs (NM_000267.4); short protein forms S727fs.
Identifiers: ClinVar variation 186442 (VCV000186442.6), dbSNP rs786202954, ClinGen allele CA194822.

ClinVar aggregate classification (germline): Pathogenic. Review status: criteria provided, multiple submitters, no conflicts (2 of 4 stars). 2 submissions from 2 submitters: Pathogenic (2). Last evaluated 2023-09-06.

Conditions:
Hereditary cancer-predisposing syndrome. Also called: Hereditary Cancer Syndrome; Neoplastic Syndromes, Hereditary; Tumor predisposition; Hereditary neoplastic syndrome. Identifiers: Orphanet 140162, MedGen C0027672, MeSH D009386, MONDO:0015356.
Neurofibromatosis, type 1 (NF1). Also called: NEUROFIBROMATOSIS, TYPE I, SOMATIC; VON RECKLINGHAUSEN DISEASE; Peripheral type neurofibromatosis; Neurofibromatosis, type I. Identifiers: Orphanet 636, MedGen C0027831, MONDO:0018975, OMIM 162200. Disease mechanism: loss of function.

Submissions (2):

Labcorp Genetics (formerly Invitae), Labcorp
Classification: Pathogenic for Neurofibromatosis, type 1. Last evaluated: 2023-09-06. Review status: criteria provided, single submitter. Criteria: Invitae Variant Classification Sherloc (09022015). Collection method: clinical testing. Allele origin: germline.
Comment: This sequence change creates a premature translational stop signal (p.Ser727Glnfs*21) in the NF1 gene. It is expected to result in an absent or disrupted protein product. Loss-of-function variants in NF1 are known to be pathogenic (PMID: 10712197, 23913538). This variant is not present in population databases (gnomAD no frequency). This variant has not been reported in the literature in individuals affected with NF1-related conditions. ClinVar contains an entry for this variant (Variation ID: 186442). For these reasons, this variant has been classified as Pathogenic.

Ambry Genetics
Classification: Pathogenic for Hereditary cancer-predisposing syndrome. Last evaluated: 2014-10-06. Review status: criteria provided, single submitter. Criteria: Ambry Autosomal Dominant and X-Linked criteria (10/2015). Collection method: clinical testing. Allele origin: germline. Observed: 1 variant allele.
Comment: Ã¢â‚¬â€¹<span style="background-color: initial;">The c.2178delG pathogenic mutation, located in coding exon 18 of the NF1 gene, results from a deletion of one nucleotide at position 2178, causing a translational frameshift with a predicted alternate stop codon. Since frameshifts are typically deleterious in nature, this alteration is interpreted as a disease-causing mutation (ACMG Recommendations for Standards for Interpretation and Reporting of Sequence Variations. Revision 2007. Genet Med. 2008;10:294).

Literature cited by the submitters: PubMed 10712197 (cited by Labcorp Genetics (formerly Invitae), Labcorp); PubMed 23913538 (cited by Labcorp Genetics (formerly Invitae), Labcorp).